The following is an entry in ClinVar:

ClinVar aggregate classification (germline): Uncertain significance. Review status: criteria provided, multiple submitters, no conflicts (2 of 4 stars). 2 submissions from 2 submitters: Uncertain significance (2). Last evaluated 2026-01-07.

Allele frequency attached by ClinVar (database versions not stated): gnomAD 0.00002; gnomAD exomes 0.00003; TOPMed 0.00007; ExAC 0.00012.
gnomAD v4.1: 50 of 1,598,918 alleles (0.0031%); highest among the groups gnomAD compares: Admixed American, 0.081%; no homozygotes.

Submissions (2):

Labcorp Genetics (formerly Invitae), Labcorp
Classification: Uncertain significance. Last evaluated: 2026-01-07. Review status: criteria provided, single submitter. Criteria: Invitae Variant Classification Sherloc (09022015). Collection method: clinical testing. Allele origin: germline.
Comment: This sequence change replaces isoleucine, which is neutral and non-polar, with methionine, which is neutral and non-polar, at codon 813 of the XPO5 protein (p.Ile813Met). This variant is present in population databases (rs771853793, gnomAD 0.1%), and has an allele count higher than expected for a pathogenic variant. This variant has not been reported in the literature in individuals affected with XPO5-related conditions. ClinVar contains an entry for this variant (Variation ID: 2508652). An algorithm developed to predict the effect of missense changes on protein structure and function (PolyPhen-2) suggests that this variant is likely to be disruptive. In summary, the available evidence is currently insufficient to determine the role of this variant in disease. Therefore, it has been classified as a Variant of Uncertain Significance.

Ambry Genetics
Classification: Uncertain significance. Last evaluated: 2025-04-24. Review status: criteria provided, single submitter. Criteria: Ambry Variant Classification Scheme 2023. Collection method: clinical testing. Allele origin: germline.

NM_020750.3(XPO5):c.2439A>G (p.Ile813Met)

Genes: POLR1C (RNA polymerase I and III subunit C; plus strand), XPO5 (exportin 5; minus strand). Cytogenetic location: 6p21.1.
Variant type: single nucleotide variant.
Coding change: c.2439A>G on transcript NM_020750.3 (MANE Select); coding-DNA position 2439, A replaced by G.
Protein change: p.Ile813Met; replaces isoleucine 813 with methionine.
Molecular consequence: missense variant. On other transcripts: non-coding transcript variant (1), intron variant (1).
Genome position (GRCh38, 1-based): chr6:43,533,911, T>C on the plus strand (A>G on the coding strand, the complement: XPO5 is on the minus strand). VCF-style: chr6-43533911-T-C. GRCh37 (hg19) VCF-style: chr6-43501648-T-C.
Other names: c.922+12863T>C (NM_001363658.2); short protein forms I813M.
Identifiers: ClinVar variation 2508652 (VCV002508652.6), dbSNP rs771853793, ClinGen allele CA3826158.
Genomic context (GRCh38, chr6:43,533,911, plus strand): 5'-GGGACATCCATTAGGGATAAGATAAACCTTAGGAGAAAAAAGGTTACATTTCTTACCTAA[T>C]ATAGCAGATTTTTCCGCGTCAAGCATATCCAGAGCCTTGGTGAAAGGCTCTGCCATTTTG-3'
Protein context (NP_065801.1, residues 803-823): LDMLDAEKSA[Ile813Met]LGLPQPLLEL